The following is an entry in ClinVar:

ClinVar aggregate classification (germline): Conflicting classifications of pathogenicity. Review status: criteria provided, conflicting classifications (1 of 4 stars). 3 submissions from 3 submitters: Uncertain significance (1); Benign (1). 1 of the submissions does not count toward it. Last evaluated 2025-04-03.

Conditions:
Hereditary cancer-predisposing syndrome. Also called: Tumor predisposition; Hereditary neoplastic syndrome; Hereditary Cancer Syndrome; Neoplastic Syndromes, Hereditary. Identifiers: Orphanet 140162, MedGen C0027672, MeSH D009386, MONDO:0015356.
Hereditary breast ovarian cancer syndrome. Also called: Hereditary breast and/or ovarian cancer syndrome; Breast and ovarian cancer; Hereditary breast and ovarian cancer syndrome; Hereditary breast and ovarian cancer; Hereditary breast and ovarian cancer syndrome (HBOC); BRCA1- and BRCA2-Associated Hereditary Breast and Ovarian Cancer. Identifiers: Orphanet 145, MedGen C0677776, MeSH D061325, MONDO:0003582. Disease mechanism: loss of function.
Breast-ovarian cancer, familial, susceptibility to, 1 (BROVCA1). Also called: BRCA1 Hereditary Breast and Ovarian Cancer; OVARIAN CANCER, SUSCEPTIBILITY TO. Identifiers: Orphanet 145, MedGen C2676676, MONDO:0011450, OMIM 604370. Disease mechanism: loss of function.

Submissions (4):

Labcorp Genetics (formerly Invitae), Labcorp
Classification: Uncertain significance for Hereditary breast ovarian cancer syndrome. Last evaluated: 2025-04-03. Review status: criteria provided, single submitter. Criteria: Invitae Variant Classification Sherloc (09022015). Collection method: clinical testing. Allele origin: germline.
Comment: This sequence change replaces glycine, which is neutral and non-polar, with serine, which is neutral and polar, at codon 1801 of the BRCA1 protein (p.Gly1801Ser). This variant is not present in population databases (gnomAD no frequency). This variant has not been reported in the literature in individuals affected with BRCA1-related conditions. ClinVar contains an entry for this variant (Variation ID: 156196). Invitae Evidence Modeling incorporating data from in vitro experimental studies (PMID: 30209399) indicates that this missense variant is not expected to disrupt BRCA1 function with a negative predictive value of 95%. Experimental studies have shown that this missense change does not substantially affect BRCA1 function (PMID: 30209399). In summary, the available evidence is currently insufficient to determine the role of this variant in disease. Therefore, it has been classified as a Variant of Uncertain Significance.

Ambry Genetics
Classification: Benign for Hereditary cancer-predisposing syndrome. Last evaluated: 2024-07-22. Review status: criteria provided, single submitter. Criteria: Ambry Variant Classification Scheme 2023. Collection method: clinical testing. Allele origin: germline.

Sharing Clinical Reports Project (SCRP)
Classification: Uncertain significance for Breast-ovarian cancer, familial 1. Last evaluated: 2013-07-19. Review status: no assertion criteria provided. Collection method: clinical testing. Allele origin: germline. Not counted in ClinVar's aggregate classification.

Brotman Baty Institute, University of Washington
No classification provided (evidence only). Condition: Breast-ovarian cancer, familial 1. Review status: no classification provided. Collection method: in vitro. Allele origin: not applicable. Functional consequence: functionally_normal. Not counted in ClinVar's aggregate classification.
ClinVar note: "not provided" was previously submitted as the classification for the variant. However, the classification appeared to be based only on an observation of functional data so it was converted to no classification on 2025-07-30.

Literature cited by the submitters: PubMed 30209399 (cited by Labcorp Genetics (formerly Invitae), Labcorp).

NM_007294.4(BRCA1):c.5401G>A (p.Gly1801Ser)

Gene: BRCA1 (BRCA1 DNA repair associated; minus strand). Cytogenetic location: 17q21.31.
Variant type: single nucleotide variant.
Coding change: c.5401G>A on transcript NM_007294.4 (MANE Select); coding-DNA position 5401, G replaced by A.
Protein change: p.Gly1801Ser; replaces glycine 1801 with serine.
Molecular consequence: missense variant. On other transcripts: non-coding transcript variant (1), intron variant (1).
Genome position (GRCh38, 1-based): chr17:43,049,126, C>T on the plus strand (G>A on the coding strand, the complement: BRCA1 is on the minus strand). VCF-style: chr17-43049126-C-T. GRCh37 (hg19) VCF-style: chr17-41201143-C-T.
Other names: 5520G>A; c.5188G>A, p.Gly1730Ser (NM_001407571.1, NM_001407894.1, NM_001407895.1 and 12 more transcripts); c.5467G>A, p.Gly1823Ser (NM_001407581.1, NM_001407582.1); c.5464G>A, p.Gly1822Ser (NM_001407583.1, NM_001407585.1, NM_001407587.1 and 1 more transcripts); c.5461G>A, p.Gly1821Ser (NM_001407590.1, NM_001407591.1); c.5401G>A, p.Gly1801Ser (NM_001407593.1, NM_001407594.1, NM_001407596.1 and 5 more transcripts); c.5398G>A, p.Gly1800Ser (NM_001407616.1, NM_001407617.1, NM_001407618.1 and 14 more transcripts); c.5395G>A, p.Gly1799Ser (NM_001407635.1, NM_001407636.1, NM_001407637.1 and 13 more transcripts); and 74 more; short protein forms G1801S, G1754S, G1822S, G697S, G1796S, G1821S, G584S, G585S.
Identifiers: ClinVar variation 156196 (VCV000156196.16), dbSNP rs587776492, ClinGen allele CA003551.